The following is an entry in ClinVar:

ClinVar aggregate classification (germline): Likely benign. Review status: criteria provided, multiple submitters, no conflicts (2 of 4 stars). 4 submissions from 4 submitters: Likely benign (4). Last evaluated 2024-12-28.

Conditions:
Early-infantile DEE. Also called: Early infantile epileptic encephalopathy; Ohtahara syndrome; Early infantile epileptic encephalopathy with suppression bursts. Identifiers: Orphanet 1934, MedGen C0393706, MONDO:0800491.

Allele frequency attached by ClinVar (database versions not stated): gnomAD 0.00001; gnomAD exomes 0.00001 and 0.00002; TOPMed 0.00002.
gnomAD v4.1: 24 of 1,611,966 alleles (0.0015%); highest among the groups gnomAD compares: Non-Finnish European, 0.0018%; no homozygotes.

Submissions (4):

Labcorp Genetics (formerly Invitae), Labcorp
Classification: Likely benign for Early-infantile DEE. Last evaluated: 2024-12-28. Review status: criteria provided, single submitter. Criteria: Invitae Variant Classification Sherloc (09022015). Collection method: clinical testing. Allele origin: germline.

Blueprint Genetics
Classification: Likely benign. Last evaluated: 2024-09-25. Review status: criteria provided, single submitter. Criteria: ACMG Guidelines, 2015. Collection method: clinical testing. Allele origin: germline.

CeGaT Center for Human Genetics Tuebingen
Classification: Likely benign. Last evaluated: 2023-03-01. Review status: criteria provided, single submitter. Criteria: CeGaT Center For Human Genetics Tuebingen Variant Classification Criteria Version 2. Collection method: clinical testing. Allele origin: germline. Affected: yes. Observed: 1 variant allele.
Comment: SCN1A: BP4, BP7

GeneDx
Classification: Likely benign. Last evaluated: 2020-01-08. Review status: criteria provided, single submitter. Criteria: GeneDx Variant Classification Process June 2021. Collection method: clinical testing. Allele origin: germline. Affected: yes.

NM_001165963.4(SCN1A):c.678G>A (p.Thr226=)

Gene: SCN1A (sodium voltage-gated channel alpha subunit 1; minus strand). Cytogenetic location: 2q24.3.
Variant type: single nucleotide variant.
Coding change: c.678G>A on transcript NM_001165963.4 (MANE Select); coding-DNA position 678, G replaced by A.
Protein change: p.Thr226=; no amino-acid change (threonine 226 retained).
Molecular consequence: synonymous variant. On other transcripts: 5 prime UTR variant (1), non-coding transcript variant (1).
Genome position (GRCh38, 1-based): chr2:166,052,868, C>T on the plus strand (G>A on the coding strand, the complement: SCN1A is on the minus strand). VCF-style: chr2-166052868-C-T. GRCh37 (hg19) VCF-style: chr2-166909378-C-T.
Other names: c.678G>A, p.Thr226= (NM_001165964.3, NM_001202435.3, NM_001353948.2 and 10 more transcripts); c.-1748G>A (NM_001353961.2).
Identifiers: ClinVar variation 508910 (VCV000508910.40), dbSNP rs571355844, ClinGen allele CA59802241.
Genomic context (GRCh38, chr2:166,052,868, plus strand): 5'-GAATCACATGATGGGTCCGTCTCATTATCTAACCTTGCTCTCACCTGGAATGACTGAAAT[C>T]GTCTTCAATGCTCGGAGAACTCTGAATGTTCTCAATGCCGAGACATTGCCCAGGTCCACA-3'
Protein context (NP_001159435.1, residues 216-236): RTFRVLRALK[Thr226=]ISVIPGLKTI